The following is an entry in ClinVar:

NM_001303256.3(MORC2):c.3040del (p.Ile1014fs)

Gene: MORC2 (MORC family CW-type zinc finger 2; minus strand). Cytogenetic location: 22q12.2.
Variant type: Deletion.
Coding change: c.3040del on transcript NM_001303256.3 (MANE Select); coding-DNA position 3040, one base deleted (A; older notation c.3040delA).
Protein change: p.Ile1014fs; shifts the reading frame from isoleucine 1014.
Molecular consequence: frameshift variant.
Genome position (GRCh38, 1-based): chr22:30,926,862, T deleted on the plus strand (A on the coding strand, the reverse complement: MORC2 is on the minus strand). VCF-style (leftmost placement, unchanged base first): chr22-30926861-AT-A. GRCh37 (hg19) VCF-style: chr22-31322848-AT-A.
Other names: c.3031del, p.Ile1011fs (NM_001303257.2); c.2854del, p.Ile952fs (NM_014941.3); short protein forms I1011fs, I1014fs, I952fs.
Identifiers: ClinVar variation 3369494 (VCV003369494.1).
Genomic context (GRCh38, chr22:30,926,861, plus strand): 5'-CTTCAGTCCCCCTTGGTGATGAGGTCCTCAATGTAGGCGTCCAGCTCATCATCTGTGTTG[AT>A]GTCTATGTCCTGGAATAGAGCAGGGTAGGGATCAACTGGGGGCCAGAAAGTGATTGGGGG-3'

ClinVar aggregate classification (germline): Uncertain significance (1 of 4 stars; one submission).

Submission:

GeneDx
Classification: Uncertain significance. Last evaluated: 2024-02-24. Review status: criteria provided, single submitter. Criteria: GeneDx Variant Classification Process June 2021. Collection method: clinical testing. Allele origin: germline. Affected: yes.
Comment: Not observed at significant frequency in large population cohorts (gnomAD); Frameshift variant predicted to result in abnormal protein length as the last 19 amino acids are replaced with 67 different amino acids; Has not been previously published as pathogenic or benign to our knowledge